The following is an entry in ClinVar:

ClinVar aggregate classification (germline): Benign/Likely benign. Review status: criteria provided, multiple submitters, no conflicts (2 of 4 stars). 5 submissions from 5 submitters: Benign (2); Likely benign (2). 1 of the submissions does not count toward it. Last evaluated 2026-01-28.

Conditions:
Short-rib thoracic dysplasia 13 with or without polydactyly (SRTD13). Identifiers: Orphanet 474, MedGen C4225378, MONDO:0014577, OMIM 616300.

Allele frequency attached by ClinVar (database versions not stated): gnomAD exomes 0.00075 and 0.00186; ExAC 0.00231; gnomAD 0.00714 and 0.00757; TOPMed 0.00788; ESP Exome Variant Server 0.00815; 1000 Genomes Project 0.00819; 1000 Genomes Project 30x 0.00890.
gnomAD v4.1: 2,207 of 1,606,672 alleles (0.14%); highest among the groups gnomAD compares: African/African-American, 2.4%; 19 homozygotes.

Submissions (6):

Labcorp Genetics (formerly Invitae), Labcorp
Classification: Benign for Short-rib thoracic dysplasia 13 with or without polydactyly. Last evaluated: 2026-01-28. Review status: criteria provided, single submitter. Criteria: Invitae Variant Classification Sherloc (09022015). Collection method: clinical testing. Allele origin: germline.

Mayo Clinic Laboratories, Mayo Clinic
Classification: Benign. Last evaluated: 2025-10-17. Review status: criteria provided, single submitter. Criteria: ACMG Guidelines, 2015. Collection method: clinical testing. Allele origin: germline. Observed: 1 variant allele.
Comment: BS1, BS2, BP4_moderate

GeneDx
Classification: Likely benign. Last evaluated: 2020-12-05. Review status: criteria provided, single submitter. Criteria: GeneDx Variant Classification Process June 2021. Collection method: clinical testing. Allele origin: germline. Affected: yes.

Breakthrough Genomics
Classification: Likely benign. Review status: criteria provided, single submitter. Criteria: ACMG Guidelines, 2015. Collection method: not provided. Allele origin: germline. Inheritance: Autosomal recessive inheritance. Affected: yes.

Genetic Services Laboratory, University of Chicago
Classification: Likely benign. Last evaluated: 2022-05-10. Review status: no assertion criteria provided. Collection method: clinical testing. Allele origin: germline. Affected: no. Not counted in ClinVar's aggregate classification.

Dr. Peter K. Rogan Lab, Western University
No classification provided (evidence only). Condition: Sarcoma. Review status: no classification provided. Collection method: in vitro. Allele origin: not applicable. Functional consequence: retained intron. Not counted in ClinVar's aggregate classification.

NM_001375405.1(CEP120):c.2182A>G (p.Ser728Gly)

Gene: CEP120 (centrosomal protein 120; minus strand). Cytogenetic location: 5q23.2.
Variant type: single nucleotide variant.
Coding change: c.2182A>G on transcript NM_001375405.1 (MANE Select); coding-DNA position 2182, A replaced by G.
Protein change: p.Ser728Gly; replaces serine 728 with glycine.
Molecular consequence: missense variant. On other transcripts: non-coding transcript variant (1).
Genome position (GRCh38, 1-based): chr5:123,378,350, T>C on the plus strand (A>G on the coding strand, the complement: CEP120 is on the minus strand). VCF-style: chr5-123378350-T-C. GRCh37 (hg19) VCF-style: chr5-122714044-T-C.
Other names: p.Ser728Gly; c.2104A>G, p.Ser702Gly (NM_001166226.2); c.2047A>G, p.Ser683Gly (NM_001375406.1); c.2182A>G, p.Ser728Gly (NM_001375407.1, NM_153223.4); c.1609A>G, p.Ser537Gly (NM_001375408.1, NM_001375409.1); short protein forms S728G, S702G, S537G, S683G.
Identifiers: ClinVar variation 476163 (VCV000476163.18), dbSNP rs61744334, ClinGen allele CA3386725.
Genomic context (GRCh38, chr5:123,378,350, plus strand): 5'-TAAACCCCTCTATGCTGAAAAAAAATACAATGGACGAATGACATACCTCTGATTCCACAC[T>C]AGCAAGCTGCTGCTCTCGCTTCTCCAAGTCAATTAGAGTTTTTTGAAGTTTTCCTTCTAG-3'
Protein context (NP_001362334.1, residues 718-738): DLEKREQQLA[Ser728Gly]VESELQREKK